The following is an entry in ClinVar:

ClinVar aggregate classification (germline): Uncertain significance (1 of 4 stars; one submission).

Conditions:
Biotin-responsive basal ganglia disease (BTBGD). Also called: THIAMINE METABOLISM DYSFUNCTION SYNDROME 2 (BIOTIN- AND THIAMINE-RESPONSIVE TYPE); Thiamine Transporter-2 Deficiency; Thiamine metabolism dysfunction syndrome 2 (biotin- or thiamine-responsive encephalopathy type 2); thiamine-responsive encephalopathy; Thiamine metabolism dysfunction syndrome type 2. Identifiers: Orphanet 199348, Orphanet 65284, MedGen C1843807, MONDO:0011841, OMIM 607483.

Submission:

Labcorp Genetics (formerly Invitae), Labcorp
Classification: Uncertain significance for Biotin-responsive basal ganglia disease. Last evaluated: 2022-03-11. Review status: criteria provided, single submitter. Criteria: Invitae Variant Classification Sherloc (09022015). Collection method: clinical testing. Allele origin: germline.
Comment: In summary, the available evidence is currently insufficient to determine the role of this variant in disease. Therefore, it has been classified as a Variant of Uncertain Significance. Advanced modeling of protein sequence and biophysical properties (such as structural, functional, and spatial information, amino acid conservation, physicochemical variation, residue mobility, and thermodynamic stability) performed at Invitae indicates that this missense variant is not expected to disrupt SLC19A3 protein function. This variant has not been reported in the literature in individuals affected with SLC19A3-related conditions. This variant is not present in population databases (gnomAD no frequency). This sequence change replaces histidine, which is basic and polar, with tyrosine, which is neutral and polar, at codon 364 of the SLC19A3 protein (p.His364Tyr).

NM_025243.4(SLC19A3):c.1090C>T (p.His364Tyr)

Gene: SLC19A3 (solute carrier family 19 member 3; minus strand). Cytogenetic location: 2q36.3.
Variant type: single nucleotide variant.
Coding change: c.1090C>T on transcript NM_025243.4 (MANE Select); coding-DNA position 1090, C replaced by T.
Protein change: p.His364Tyr; replaces histidine 364 with tyrosine.
Molecular consequence: missense variant.
Genome position (GRCh38, 1-based): chr2:227,695,971, G>A on the plus strand (C>T on the coding strand, the complement: SLC19A3 is on the minus strand). VCF-style: chr2-227695971-G-A. GRCh37 (hg19) VCF-style: chr2-228560687-G-A.
Other names: c.1090C>T, p.His364Tyr (NM_001371411.1, NM_001371412.1); c.1078C>T, p.His360Tyr (NM_001371413.1, NM_001371414.1); short protein forms H364Y, H360Y.
Identifiers: ClinVar variation 2109475 (VCV002109475.4), dbSNP rs2470568002, ClinGen allele CA350875813.